The following is an entry in ClinVar:

ClinVar aggregate classification (germline): Likely pathogenic (1 of 4 stars; one submission).

Submission:

CeGaT Center for Human Genetics Tuebingen
Classification: Likely pathogenic. Last evaluated: 2025-11-01. Review status: criteria provided, single submitter. Criteria: CeGaT Center For Human Genetics Tuebingen Variant Classification Criteria Version 2. Collection method: clinical testing. Allele origin: germline. Affected: yes. Observed: 1 variant allele.
Comment: KRT1: PVS1:Strong, PM2

NM_006121.4(KRT1):c.10C>T (p.Gln4Ter)

Gene: KRT1 (keratin 1; minus strand). Cytogenetic location: 12q13.13.
Variant type: single nucleotide variant.
Coding change: c.10C>T on transcript NM_006121.4 (MANE Select); coding-DNA position 10, C replaced by T.
Protein change: p.Gln4Ter; replaces glutamine 4 with a stop codon.
Molecular consequence: nonsense.
Genome position (GRCh38, 1-based): chr12:52,680,339, G>A on the plus strand (C>T on the coding strand, the complement: KRT1 is on the minus strand). VCF-style: chr12-52680339-G-A. GRCh37 (hg19) VCF-style: chr12-53074123-G-A.
Other names: short protein forms Q4*.
Identifiers: ClinVar variation 4533944 (VCV004533944.6).